The following is an entry in ClinVar:

ClinVar aggregate classification (germline): Uncertain significance. Review status: criteria provided, multiple submitters, no conflicts (2 of 4 stars). 5 submissions from 5 submitters: Uncertain significance (4). 1 of the submissions does not count toward it. Last evaluated 2025-12-09.

Conditions:
CBL-related disorder. Also called: NOONAN SYNDROME-LIKE DISORDER WITHOUT JUVENILE MYELOMONOCYTIC LEUKEMIA; CBL MUTATION-ASSOCIATED SYNDROME; CBL SYNDROME. Identifiers: Orphanet 363972, MedGen C3150803, MONDO:0013308, OMIM 613563.
RASopathy. Also called: rasopathies; Noonan spectrum disorder. Identifiers: Orphanet 536391, MedGen C5555857, MONDO:0021060.

Allele frequency attached by ClinVar (database versions not stated): gnomAD exomes below 0.00001 and 0.00001; gnomAD 0.00001; TOPMed 0.00002.
gnomAD v4.1: 13 of 1,599,242 alleles (0.00081%); highest among the groups gnomAD compares: Non-Finnish European, 0.001%; no homozygotes.

Submissions (5):

Labcorp Genetics (formerly Invitae), Labcorp
Classification: Uncertain significance for RASopathy. Last evaluated: 2025-12-09. Review status: criteria provided, single submitter. Criteria: Invitae Variant Classification Sherloc (09022015). Collection method: clinical testing. Allele origin: germline.
Comment: This sequence change replaces arginine, which is basic and polar, with tryptophan, which is neutral and slightly polar, at codon 709 of the CBL protein (p.Arg709Trp). This variant is not present in population databases (gnomAD no frequency). This variant has not been reported in the literature in individuals affected with CBL-related conditions. ClinVar contains an entry for this variant (Variation ID: 133808). Invitae Evidence Modeling of protein sequence and biophysical properties (such as structural, functional, and spatial information, amino acid conservation, physicochemical variation, residue mobility, and thermodynamic stability) indicates that this missense variant is not expected to disrupt CBL protein function with a negative predictive value of 95%. In summary, the available evidence is currently insufficient to determine the role of this variant in disease. Therefore, it has been classified as a Variant of Uncertain Significance.

St. Jude Molecular Pathology, St. Jude Children's Research Hospital
Classification: Uncertain significance for CBL-related disorder. Last evaluated: 2022-07-12. Review status: criteria provided, single submitter. Criteria: St. Jude Assertion Criteria 2020. Collection method: clinical testing. Allele origin: germline.
Comment: The CBL c.2125C>T (p.Arg709Trp) missense change has a maximum subpopulation frequency of 0.00088% in gnomAD v2.1.1. The in silico tool REVEL predicts a benign effect on protein function, but to our knowledge this prediction has not been confirmed by functional studies. This variant has been reported in an individual with neurofibromatosis type 1 who also harbored a likely pathogenic variant in the NF1 gene (PMID: 31573083). To our knowledge, this variant has not been reported in individuals with juvenile myelomonocytic leukemia or features consistent with a Noonan syndrome-like disorder. In summary, the evidence currently available is insufficient to determine the clinical significance of this variant. It has therefore been classified as of uncertain significance.

Revvity Omics, Revvity
Classification: Uncertain significance. Last evaluated: 2021-03-09. Review status: criteria provided, single submitter. Criteria: ACMG Guidelines, 2015. Collection method: clinical testing. Allele origin: germline.

Illumina Laboratory Services, Illumina
Classification: Uncertain significance for CBL-related disorder. Last evaluated: 2017-04-27. Review status: criteria provided, single submitter. Criteria: ICSL Variant Classification Criteria 13 December 2019. Collection method: clinical testing. Allele origin: germline.

ITMI
No classification provided. Condition: AllHighlyPenetrant. Last evaluated: 2013-09-19. Review status: no classification provided. Collection method: reference population. Allele origin: germline. Not counted in ClinVar's aggregate classification.
Comment: Please see associated publication for description of ethnicities

Literature cited by the submitters: PubMed 24728327 (cited by ITMI).

NM_005188.4(CBL):c.2125C>T (p.Arg709Trp)

Gene: CBL (Cbl proto-oncogene; plus strand). Cytogenetic location: 11q23.3.
Variant type: single nucleotide variant.
Coding change: c.2125C>T on transcript NM_005188.4 (MANE Select); coding-DNA position 2125, C replaced by T.
Protein change: p.Arg709Trp; replaces arginine 709 with tryptophan.
Molecular consequence: missense variant.
Genome position (GRCh38, 1-based): chr11:119,297,006, C>T. VCF-style: chr11-119297006-C-T. GRCh37 (hg19) VCF-style: chr11-119167716-C-T.
Other names: short protein forms R709W.
Identifiers: ClinVar variation 133808 (VCV000133808.12), dbSNP rs587778155, ClinGen allele CA157851.
Genomic context (GRCh38, chr11:119,297,006, plus strand): 5'-GGGGAGCAATGTGAGGGTGAAGAGGACACAGAGTACATGACTCCCTCTTCCAGGCCTCTA[C>T]GGCCTTTGGATACATCCCAGAGTTCACGGTAGGTTCACAACAACCCTTTTTGGGCCCTAT-3'
Protein context (NP_005179.2, residues 699-719): EYMTPSSRPL[Arg709Trp]PLDTSQSSRA